The following is an entry in ClinVar:

ClinVar aggregate classification (germline): Uncertain significance (1 of 4 stars; one submission).

Conditions:
Cardiovascular phenotype. Identifiers: MedGen CN230736.

gnomAD v4.1: 1 of 1,610,740 alleles (0.000062%); highest among the groups gnomAD compares: Middle Eastern, 0.017%; no homozygotes.

Submission:

Ambry Genetics
Classification: Uncertain significance for Cardiovascular phenotype. Last evaluated: 2026-01-22. Review status: criteria provided, single submitter. Criteria: Ambry Variant Classification Scheme 2023. Collection method: clinical testing. Allele origin: germline.
Comment: The p.L593V variant (also known as c.1777C>G), located in coding exon 14 of the ENG gene, results from a C to G substitution at nucleotide position 1777. The leucine at codon 593 is replaced by valine, an amino acid with highly similar properties. This amino acid position is conserved. In addition, this alteration is predicted to be tolerated by in silico analysis. Based on the available evidence, the clinical significance of this variant remains unclear.

NM_001114753.3(ENG):c.1777C>G (p.Leu593Val)

Gene: ENG (endoglin; minus strand). Cytogenetic location: 9q34.11.
Variant type: single nucleotide variant.
Coding change: c.1777C>G on transcript NM_001114753.3 (MANE Select); coding-DNA position 1777, C replaced by G.
Protein change: p.Leu593Val; replaces leucine 593 with valine.
Molecular consequence: missense variant.
Genome position (GRCh38, 1-based): chr9:127,816,018, G>C on the plus strand (C>G on the coding strand, the complement: ENG is on the minus strand). VCF-style: chr9-127816018-G-C. GRCh37 (hg19) VCF-style: chr9-130578297-G-C.
Other names: c.1777C>G, p.Leu593Val (NM_000118.4); c.1231C>G, p.Leu411Val (NM_001278138.2); short protein forms L411V, L593V.
Identifiers: ClinVar variation 4824976 (VCV004824976.1).